The following is an entry in ClinVar:

ClinVar aggregate classification (germline): Pathogenic (1 of 4 stars; one submission).

Submission:

Labcorp Genetics (formerly Invitae), Labcorp
Classification: Pathogenic. Last evaluated: 2023-02-25. Review status: criteria provided, single submitter. Criteria: Invitae Variant Classification Sherloc (09022015). Collection method: clinical testing. Allele origin: germline.
Comment: This sequence change creates a premature translational stop signal (p.Trp356*) in the TNFAIP3 gene. It is expected to result in an absent or disrupted protein product. Loss-of-function variants in TNFAIP3 are known to be pathogenic (PMID: 26642243). For these reasons, this variant has been classified as Pathogenic. This variant has not been reported in the literature in individuals affected with TNFAIP3-related conditions. Information on the frequency of this variant in the gnomAD database is not available, as this variant may be reported differently in the database.

Literature cited by the submitters: PubMed 26642243.

NM_001270508.2(TNFAIP3):c.1068_1069delinsAA (p.Trp356_Gln357delinsTer)

Gene: TNFAIP3 (TNF alpha induced protein 3; plus strand). Cytogenetic location: 6q23.3.
Variant type: Indel.
Coding change: c.1068_1069delinsAA on transcript NM_001270508.2 (MANE Select); coding-DNA positions 1068 to 1069, GC replaced by AA.
Protein change: p.Trp356_Gln357delinsTer.
Molecular consequence: nonsense.
Genome position (GRCh38, 1-based): chr6:137,878,513-137,878,514, GC replaced by AA. VCF-style: chr6-137878513-GC-AA. GRCh37 (hg19) VCF-style: chr6-138199650-GC-AA.
Other names: c.1068_1069delinsAA, p.Trp356_Gln357delinsTer (NM_001270507.2, NM_006290.4).
Identifiers: ClinVar variation 2840851 (VCV002840851.3), dbSNP rs2482749858, ClinGen allele CA2739266188.